The following is an entry in ClinVar:

NM_001165967.2(HES7):c.141C>A (p.Asn47Lys)

Gene: HES7 (hes family bHLH transcription factor 7; minus strand). Cytogenetic location: 17p13.1.
Variant type: single nucleotide variant.
Coding change: c.141C>A on transcript NM_001165967.2 (MANE Select); coding-DNA position 141, C replaced by A.
Protein change: p.Asn47Lys; replaces asparagine 47 with lysine.
Molecular consequence: missense variant.
Genome position (GRCh38, 1-based): chr17:8,122,428, G>T on the plus strand (C>A on the coding strand, the complement: HES7 is on the minus strand). VCF-style: chr17-8122428-G-T. GRCh37 (hg19) VCF-style: chr17-8025746-G-T.
Other names: c.141C>A, p.Asn47Lys (NM_032580.4); short protein forms N47K.
Identifiers: ClinVar variation 1312918 (VCV001312918.2), dbSNP rs2151853981, ClinGen allele CA397989750.
Genomic context (GRCh38, chr17:8,122,428, plus strand): 5'-CCTCAAGTAGCCCACGGCGAACTCCAATATCTCCGCTTTCTCCAGCTTCGGGTTCCGGAG[G>T]TTCTACAGACGGGAGGGGAGGGCGCAGAGACAGAAAGGGGTGGGGAGAAAGGGGGAAAGT-3'
Protein context (NP_001159439.1, residues 37-57): LLLLERTRDQ[Asn47Lys]LRNPKLEKAE

ClinVar aggregate classification (germline): Uncertain significance (1 of 4 stars; one submission).

Submission:

GeneDx
Classification: Uncertain significance. Last evaluated: 2020-07-07. Review status: criteria provided, single submitter. Criteria: GeneDx Variant Classification Process June 2021. Collection method: clinical testing. Allele origin: germline. Affected: yes.
Comment: Not observed in large population cohorts (Lek et al., 2016); In silico analysis supports that this missense variant does not alter protein structure/function; Has not been previously published as pathogenic or benign to our knowledge